The following is an entry in ClinVar:

ClinVar aggregate classification (germline): Uncertain significance (1 of 4 stars; one submission).

Conditions:
Severe intellectual disability-poor language-strabismus-grimacing face-long fingers syndrome (GAND). Also called: GAND SYNDROME. Identifiers: Orphanet 363686, MedGen C3554448, MONDO:0014034, OMIM 615074.

Submission:

Centre for Mendelian Genomics, University Medical Centre Ljubljana
Classification: Uncertain significance for Severe intellectual disability-poor language-strabismus-grimacing face-long fingers syndrome. Last evaluated: 2019-06-03. Review status: criteria provided, single submitter. Criteria: ACMG Guidelines, 2015. Collection method: clinical testing. Allele origin: unknown. Affected: yes.
Comment: This variant was classified as: Uncertain significance. The available evidence on this variant's pathogenicity is insufficient or conflicting. The following ACMG criteria were applied in classifying this variant: PM2,BP1.

NM_020699.4(GATAD2B):c.766C>T (p.Leu256Phe)

Gene: GATAD2B (GATA zinc finger domain containing 2B; minus strand). Cytogenetic location: 1q21.3.
Variant type: single nucleotide variant.
Coding change: c.766C>T on transcript NM_020699.4 (MANE Select); coding-DNA position 766, C replaced by T.
Protein change: p.Leu256Phe; replaces leucine 256 with phenylalanine.
Molecular consequence: missense variant.
Genome position (GRCh38, 1-based): chr1:153,817,506, G>A on the plus strand (C>T on the coding strand, the complement: GATAD2B is on the minus strand). VCF-style: chr1-153817506-G-A. GRCh37 (hg19) VCF-style: chr1-153789982-G-A.
Other names: short protein forms L256F.
Identifiers: ClinVar variation 931111 (VCV000931111.3), dbSNP rs906441475, ClinGen allele CA342530882.